The following is an entry in ClinVar:

NM_020937.4(FANCM):c.179C>A (p.Ala60Glu)

Gene: FANCM (FA complementation group M; plus strand). Cytogenetic location: 14q21.2.
Variant type: single nucleotide variant.
Coding change: c.179C>A on transcript NM_020937.4 (MANE Select); coding-DNA position 179, C replaced by A.
Protein change: p.Ala60Glu; replaces alanine 60 with glutamic acid.
Molecular consequence: missense variant.
Genome position (GRCh38, 1-based): chr14:45,136,210, C>A. VCF-style: chr14-45136210-C-A. GRCh37 (hg19) VCF-style: chr14-45605413-C-A.
Other names: c.179C>A, p.Ala60Glu (NM_001308133.2, NM_001308134.2); short protein forms A60E.
Identifiers: ClinVar variation 456256 (VCV000456256.60), dbSNP rs200717151, ClinGen allele CA7168713.

ClinVar aggregate classification (germline): Conflicting classifications of pathogenicity. Review status: criteria provided, conflicting classifications (1 of 4 stars). 7 submissions from 7 submitters: Uncertain significance (6); Likely benign (1). Last evaluated 2026-02-03.

Conditions:
Hereditary cancer-predisposing syndrome. Also called: Hereditary neoplastic syndrome; Neoplastic Syndromes, Hereditary; Hereditary Cancer Syndrome; Tumor predisposition. Identifiers: Orphanet 140162, MedGen C0027672, MeSH D009386, MONDO:0015356.
Spermatogenic failure 28. Identifiers: MedGen C4748117, MONDO:0054732, OMIM 618086.
Premature ovarian failure 15. Identifiers: MedGen C4748170, MONDO:0054862, OMIM 618096.
Fanconi anemia (FA). Also called: Fanconi's anemia. Identifiers: Orphanet 84, MedGen C0015625, MeSH D005199, MONDO:0019391.

Allele frequency attached by ClinVar (database versions not stated): gnomAD exomes 0.00004; ExAC 0.00005; TOPMed 0.00005; gnomAD 0.00006; 1000 Genomes Project 30x 0.00031; 1000 Genomes Project 0.00040.
gnomAD v4.1: 84 of 1,614,124 alleles (0.0052%); highest among the groups gnomAD compares: Middle Eastern, 0.099%; 1 homozygote.

Submissions (7):

Labcorp Genetics (formerly Invitae), Labcorp
Classification: Uncertain significance for Fanconi anemia. Last evaluated: 2026-02-03. Review status: criteria provided, single submitter. Criteria: Invitae Variant Classification Sherloc (09022015). Collection method: clinical testing. Allele origin: germline.
Comment: This sequence change replaces alanine, which is neutral and non-polar, with glutamic acid, which is acidic and polar, at codon 60 of the FANCM protein (p.Ala60Glu). This variant is present in population databases (rs200717151, gnomAD 0.009%). This variant has not been reported in the literature in individuals affected with FANCM-related conditions. ClinVar contains an entry for this variant (Variation ID: 456256). An algorithm developed to predict the effect of missense changes on protein structure and function (PolyPhen-2) suggests that this variant is likely to be disruptive. In summary, the available evidence is currently insufficient to determine the role of this variant in disease. Therefore, it has been classified as a Variant of Uncertain Significance.

Quest Diagnostics Nichols Institute San Juan Capistrano
Classification: Uncertain significance. Last evaluated: 2025-08-01. Review status: criteria provided, single submitter. Criteria: Quest Diagnostics criteria. Collection method: clinical testing. Allele origin: unknown.
Comment: The FANCM c.179C>A (p.Ala60Glu) variant has been reported in the published literature in individuals affected with breast cancer (PMID: 36707629 (2023), 33471991 (2021), see also LOVD) as well as reportedly unaffected individuals (PMID: 36707629 (2023), 33471991 (2021), see also LOVD, 29641532 (2018)). The frequency of this variant in the general population (Genome Aggregation Database) is uninformative in the assessment of its pathogenicity. Analysis of this variant using bioinformatics tools for the prediction of the effect of amino acid changes on protein structure and function yielded conflicting predictions that this variant is benign or damaging. Based on the available information, we are unable to determine the clinical significance of this variant.

GeneDx
Classification: Uncertain significance. Last evaluated: 2025-07-16. Review status: criteria provided, single submitter. Criteria: GeneDx Variant Classification Process June 2021. Collection method: clinical testing. Allele origin: germline. Affected: yes.
Comment: Not observed at significant frequency in large population cohorts (gnomAD); In silico analysis supports that this missense variant has a deleterious effect on protein structure/function; Has not been previously published as pathogenic or benign to our knowledge

Mendelics
Classification: Likely benign for Hereditary cancer-predisposing syndrome. Last evaluated: 2024-04-08. Review status: criteria provided, single submitter. Criteria: ACMG Guidelines, 2015. Collection method: clinical testing. Allele origin: unknown.

Revvity Omics, Revvity
Classification: Uncertain significance. Last evaluated: 2022-03-01. Review status: criteria provided, single submitter. Criteria: ACMG Guidelines, 2015. Collection method: clinical testing. Allele origin: germline.

Fulgent Genetics
Classification: Uncertain significance for Spermatogenic failure 28; Premature ovarian failure 15. Last evaluated: 2021-07-07. Review status: criteria provided, single submitter. Criteria: ACMG Guidelines, 2015. Collection method: clinical testing. Allele origin: unknown.

CeGaT Center for Human Genetics Tuebingen
Classification: Uncertain significance. Last evaluated: 2020-01-01. Review status: criteria provided, single submitter. Criteria: CeGaT Center For Human Genetics Tuebingen Variant Classification Criteria Version 2. Collection method: clinical testing. Allele origin: germline. Affected: yes. Observed: 1 variant allele.

Literature cited by the submitters: PubMed 32906206 (cited by Quest Diagnostics Nichols Institute San Juan Capistrano); PubMed 33471991 (cited by Quest Diagnostics Nichols Institute San Juan Capistrano); PubMed 36707629 (cited by Quest Diagnostics Nichols Institute San Juan Capistrano); PubMed 32235514 (cited by Quest Diagnostics Nichols Institute San Juan Capistrano); PubMed 29641532 (cited by Quest Diagnostics Nichols Institute San Juan Capistrano).